The following is an entry in ClinVar:

NM_001130009.3(GEN1):c.218T>C (p.Val73Ala)

Gene: GEN1 (GEN1 structure-specific endonuclease; plus strand). Cytogenetic location: 2p24.2.
Variant type: single nucleotide variant.
Coding change: c.218T>C on transcript NM_001130009.3 (MANE Select); coding-DNA position 218, T replaced by C.
Protein change: p.Val73Ala; replaces valine 73 with alanine.
Molecular consequence: missense variant.
Genome position (GRCh38, 1-based): chr2:17,761,452, T>C. VCF-style: chr2-17761452-T-C. GRCh37 (hg19) VCF-style: chr2-17942719-T-C.
Other names: c.218T>C, p.Val73Ala (NM_182625.5); short protein forms V73A.
Identifiers: ClinVar variation 1026815 (VCV001026815.8), dbSNP rs1671673750, ClinGen allele CA345906341.
Genomic context (GRCh38, chr2:17,761,452, plus strand): 5'-TCAGGAACTTATTTTTTCGTATCTCATATTTAACACAAATGGATGTAAAACTGGTATTTG[T>C]TATGGAAGGGGAACCACCAAAGCTGAAAGCTGATGTCATAAGCAAGAGGAATCAGTCTCG-3'
Protein context (NP_001123481.3, residues 63-83): LTQMDVKLVF[Val73Ala]MEGEPPKLKA

ClinVar aggregate classification (germline): Uncertain significance (1 of 4 stars; one submission).

Submission:

Labcorp Genetics (formerly Invitae), Labcorp
Classification: Uncertain significance. Last evaluated: 2020-08-11. Review status: criteria provided, single submitter. Criteria: Invitae Variant Classification Sherloc (09022015). Collection method: clinical testing. Allele origin: germline.
Comment: This variant has not been reported in the literature in individuals with GEN1-related conditions. In summary, the available evidence is currently insufficient to determine the role of this variant in disease. Therefore, it has been classified as a Variant of Uncertain Significance. Algorithms developed to predict the effect of missense changes on protein structure and function (SIFT, PolyPhen-2, Align-GVGD) all suggest that this variant is likely to be disruptive, but these predictions have not been confirmed by published functional studies and their clinical significance is uncertain. This variant is not present in population databases (ExAC no frequency). This sequence change replaces valine with alanine at codon 73 of the GEN1 protein (p.Val73Ala). The valine residue is highly conserved and there is a small physicochemical difference between valine and alanine.